The following is an entry in ClinVar:

ClinVar aggregate classification (germline): Conflicting classifications of pathogenicity. Review status: criteria provided, conflicting classifications (1 of 4 stars). 6 submissions from 6 submitters: Uncertain significance (4); Likely benign (2). Last evaluated 2025-08-11.

Conditions:
Cardiovascular phenotype. Identifiers: MedGen CN230736.
Arrhythmogenic cardiomyopathy with wooly hair and keratoderma. Also called: PALMOPLANTAR KERATODERMA WITH LEFT VENTRICULAR CARDIOMYOPATHY AND WOOLLY HAIR; Carvajal syndrome; Arrhythmogenic cardiomyopathy with woolly hair and keratoderma; Dilated cardiomyopathy with woolly hair and keratoderma. Identifiers: Orphanet 65282, MedGen C1854063, MONDO:0011581, OMIM 605676.
Cardiomyopathy, dilated, with wooly hair, keratoderma, and tooth agenesis. Also called: Erythrokeratodermia-cardiomyopathy syndrome; Cardiomyopathy, dilated, with woolly hair, keratoderma, and tooth agenesis. Identifiers: Orphanet 476096, Orphanet 65282, MedGen C4014393, MONDO:0014355, OMIM 615821.
Arrhythmogenic right ventricular dysplasia 8 (ARVD8). Also called: Arrhythmogenic Right Ventricular Dysplasia/Cardiomyopathy 8; ARRHYTHMOGENIC RIGHT VENTRICULAR DYSPLASIA, FAMILIAL, 8; ARRHYTHMOGENIC RIGHT VENTRICULAR CARDIOMYOPATHY 8. Identifiers: MedGen C1843896, MONDO:0011831, OMIM 607450.
Lethal acantholytic epidermolysis bullosa (EBLA). Identifiers: Orphanet 158687, MedGen C1864826, MONDO:0012323, OMIM 609638.
Woolly hair-skin fragility syndrome (WHSF). Identifiers: Orphanet 293165, MedGen C1843292, MONDO:0957307, OMIM 620415.
Keratosis palmoplantaris striata 2. Also called: KERATODERMA, PALMOPLANTAR, STRIATE FORM II; STRIATE PALMOPLANTAR KERATODERMA II; Keratosis palmoplantaris striata II. Identifiers: MedGen C1852127, MONDO:0013034, OMIM 612908.
Cardiomyopathy (CMYO). Also called: Cardiomyopathies. Identifiers: Orphanet 167848, MedGen C0878544, MONDO:0004994, HP:0001638. Inheritance: Various modes of inheritance.
Arrhythmogenic right ventricular cardiomyopathy (ARVD). Also called: Cardiomyopathy, ARVC; Arrhythmogenic right ventricular dysplasia; Arrhythmogenic cardiomyopathy; Arrhythmogenic Right Ventricular Cardiomyopathy (ARVC). Identifiers: Orphanet 247, MedGen C0349788, MeSH D019571, MONDO:0016587. Disease mechanism: loss of function. Inheritance: Various modes of inheritance.

Allele frequency attached by ClinVar (database versions not stated): TOPMed 0.00002; gnomAD exomes 0.00003 and 0.00002; ExAC 0.00004; gnomAD 0.00001.

Submissions (6):

Labcorp Genetics (formerly Invitae), Labcorp
Classification: Likely benign for Arrhythmogenic cardiomyopathy with wooly hair and keratoderma; Arrhythmogenic right ventricular dysplasia 8. Last evaluated: 2025-08-11. Review status: criteria provided, single submitter. Criteria: Invitae Variant Classification Sherloc (09022015). Collection method: clinical testing. Allele origin: germline.

Ambry Genetics
Classification: Likely benign for Cardiovascular phenotype. Last evaluated: 2024-05-10. Review status: criteria provided, single submitter. Criteria: Ambry Variant Classification Scheme 2023. Collection method: clinical testing. Allele origin: germline.

Color Diagnostics, LLC DBA Color Health
Classification: Uncertain significance for Cardiomyopathy. Last evaluated: 2024-03-06. Review status: criteria provided, single submitter. Criteria: ACMG Guidelines, 2015. Collection method: clinical testing. Allele origin: germline.
Comment: This missense variant replaces proline with leucine at codon 2230 of the DSP protein. Computational prediction suggests that this variant may not impact protein structure and function (internally defined REVEL score threshold <= 0.5, PMID: 27666373). To our knowledge, functional studies have not been reported for this variant. This variant has not been reported in individuals affected with cardiovascular disorders in the literature. This variant has been identified in 6/282808 chromosomes in the general population by the Genome Aggregation Database (gnomAD). The available evidence is insufficient to determine the role of this variant in disease conclusively. Therefore, this variant is classified as a Variant of Uncertain Significance.

Fulgent Genetics
Classification: Uncertain significance for Arrhythmogenic cardiomyopathy with wooly hair and keratoderma; Arrhythmogenic right ventricular dysplasia 8; Lethal acantholytic epidermolysis bullosa; Keratosis palmoplantaris striata 2; Cardiomyopathy, dilated, with wooly hair, keratoderma, and tooth agenesis. Last evaluated: 2021-09-07. Review status: criteria provided, single submitter. Criteria: ACMG Guidelines, 2015. Collection method: clinical testing. Allele origin: unknown.

GeneDx
Classification: Uncertain significance. Last evaluated: 2020-03-30. Review status: criteria provided, single submitter. Criteria: GeneDx Variant Classification Process June 2021. Collection method: clinical testing. Allele origin: germline. Affected: yes.
Comment: Has not been previously published as pathogenic or benign to our knowledge; Reported in ClinVar as a variant of uncertain significance (ClinVar Variant ID# 218634; Landrum et al., 2016); In silico analysis supports that this missense variant has a deleterious effect on protein structure/function

Genomic Diagnostic Laboratory, Division of Genomic Diagnostics, Children's Hospital of Philadelphia
Classification: Uncertain significance for Arrhythmogenic right ventricular cardiomyopathy. Last evaluated: 2015-02-13. Review status: criteria provided, single submitter. Criteria: DGD Variant Analysis Guidelines. Collection method: clinical testing. Allele origin: unknown.

NM_004415.4(DSP):c.6689C>T (p.Pro2230Leu)

Gene: DSP (desmoplakin; plus strand). Cytogenetic location: 6p24.3.
Variant type: single nucleotide variant.
Coding change: c.6689C>T on transcript NM_004415.4 (MANE Select); coding-DNA position 6689, C replaced by T.
Protein change: p.Pro2230Leu; replaces proline 2230 with leucine.
Molecular consequence: missense variant.
Genome position (GRCh38, 1-based): chr6:7,583,951, C>T. VCF-style: chr6-7583951-C-T. GRCh37 (hg19) VCF-style: chr6-7584184-C-T.
Other names: c.6689C>T (LRG_423t1); c.4892C>T, p.Pro1631Leu (NM_001008844.3); c.5360C>T, p.Pro1787Leu (NM_001319034.2); short protein forms P2230L, P1631L, P1787L.
Identifiers: ClinVar variation 218634 (VCV000218634.17), dbSNP rs759982048, ClinGen allele CA048221.